The following is an entry in ClinVar:

NM_001220.5(CAMK2B):c.824G>A (p.Arg275His)

Gene: CAMK2B (calcium/calmodulin dependent protein kinase II beta; minus strand). Cytogenetic location: 7p13.
Variant type: single nucleotide variant.
Coding change: c.824G>A on transcript NM_001220.5 (MANE Select); coding-DNA position 824, G replaced by A.
Protein change: p.Arg275His; replaces arginine 275 with histidine.
Molecular consequence: missense variant.
Genome position (GRCh38, 1-based): chr7:44,241,779, C>T on the plus strand (G>A on the coding strand, the complement: CAMK2B is on the minus strand). VCF-style: chr7-44241779-C-T. GRCh37 (hg19) VCF-style: chr7-44281378-C-T.
Other names: c.824G>A, p.Arg275His (NM_001293170.2, NM_172078.3, NM_172079.3 and 5 more transcripts); short protein forms R275H.
Identifiers: ClinVar variation 3827009 (VCV003827009.1).
Genomic context (GRCh38, chr7:44,241,779, plus strand): 5'-TTGAACTTTTTCAGACACTCCACAGTCTCCTGTCTGTGCATCATGGATGCTACCGTGGAG[C>T]GTTGCTGTGGGGAAATGGGTGGTCATATGGCAGCCGAGCCCGAGGCACAGGGGAGAGGCC-3'
Protein context (NP_001211.3, residues 265-285): EALKHPWVCQ[Arg275His]STVASMMHRQ

ClinVar aggregate classification (germline): Uncertain significance (1 of 4 stars; one submission).

Conditions:
Inborn genetic diseases. Identifiers: MedGen C0950123, MeSH D030342.

Submission:

Ambry Genetics
Classification: Uncertain significance for Inborn genetic diseases. Last evaluated: 2025-01-27. Review status: criteria provided, single submitter. Criteria: Ambry Variant Classification Scheme 2023. Collection method: clinical testing. Allele origin: germline.
Comment: The c.824G>A (p.R275H) alteration is located in exon 11 (coding exon 11) of the CAMK2B gene. This alteration results from a G to A substitution at nucleotide position 824, causing the arginine (R) at amino acid position 275 to be replaced by a histidine (H). This variant was not reported in population-based cohorts in the Genome Aggregation Database (gnomAD). This amino acid position is highly conserved in available vertebrate species. This missense alteration is located in a region that has a low rate of benign missense variation (Lek, 2016; Firth, 2009). The in silico prediction for this alteration is inconclusive. Based on insufficient or conflicting evidence, the clinical significance of this alteration remains unclear.